The following is an entry in ClinVar:

NM_000051.4(ATM):c.7570G>A (p.Ala2524Thr)

Genes: ATM (ATM serine/threonine kinase; plus strand), C11orf65 (chromosome 11 open reading frame 65; minus strand). Cytogenetic location: 11q22.3.
Variant type: single nucleotide variant.
Coding change: c.7570G>A on transcript NM_000051.4 (MANE Select); coding-DNA position 7570, G replaced by A.
Protein change: p.Ala2524Thr; replaces alanine 2524 with threonine.
Molecular consequence: missense variant. On other transcripts: non-coding transcript variant (1), intron variant (2).
Genome position (GRCh38, 1-based): chr11:108,331,498, G>A. VCF-style: chr11-108331498-G-A. GRCh37 (hg19) VCF-style: chr11-108202225-G-A.
Other names: c.7570G>A, p.Ala2524Thr (NM_001351834.2); c.641-22427C>T (NM_001330368.2); c.*38+3722C>T (NM_001351110.2); short protein forms A2524T.
Identifiers: ClinVar variation 860173 (VCV000860173.14), dbSNP rs769142993, ClinGen allele CA382560750.
Genomic context (GRCh38, chr11:108,331,498, plus strand): 5'-TGGTAGAGAGACGGAATGAAGATTCCAACATATAAATTTTTGCCTCTTATGTACCAATTG[G>A]CTGCTAGAATGGGGACCAAGATGATGGGAGGCCTAGGATTTCATGAAGTCCTCAATAATG-3'
Protein context (NP_000042.3, residues 2514-2534): YKFLPLMYQL[Ala2524Thr]ARMGTKMMGG

ClinVar aggregate classification (germline): Uncertain significance. Review status: criteria provided, multiple submitters, no conflicts (2 of 4 stars). 3 submissions from 3 submitters: Uncertain significance (3). Last evaluated 2025-08-11.

Conditions:
Hereditary cancer-predisposing syndrome. Also called: Tumor predisposition; Neoplastic Syndromes, Hereditary; Hereditary Cancer Syndrome; Hereditary neoplastic syndrome. Identifiers: Orphanet 140162, MedGen C0027672, MeSH D009386, MONDO:0015356.
Ataxia-telangiectasia syndrome (AT). Also called: ATAXIA-TELANGIECTASIA, COMPLEMENTATION GROUP A; ATAXIA-TELANGIECTASIA, FRESNO VARIANT; Ataxia-telangiectasia; Ataxia-telangiectasia, complementation group D; AT, COMPLEMENTATION GROUP C; Ataxia-telangiectasia, complementation group E. Identifiers: Orphanet 100, MedGen C0004135, MONDO:0008840, OMIM 208900.

Submissions (3):

Labcorp Genetics (formerly Invitae), Labcorp
Classification: Uncertain significance for Ataxia-telangiectasia syndrome. Last evaluated: 2025-08-11. Review status: criteria provided, single submitter. Criteria: Invitae Variant Classification Sherloc (09022015). Collection method: clinical testing. Allele origin: germline.
Comment: This sequence change replaces alanine, which is neutral and non-polar, with threonine, which is neutral and polar, at codon 2524 of the ATM protein (p.Ala2524Thr). This variant is not present in population databases (gnomAD no frequency). This variant has not been reported in the literature in individuals affected with ATM-related conditions. ClinVar contains an entry for this variant (Variation ID: 860173). Invitae Evidence Modeling of protein sequence and biophysical properties (such as structural, functional, and spatial information, amino acid conservation, physicochemical variation, residue mobility, and thermodynamic stability) has been performed for this missense variant. However, the output from this modeling did not meet the statistical confidence thresholds required to predict the impact of this variant on ATM protein function. This variant disrupts the p.Ala2524 amino acid residue in ATM. Other variant(s) that disrupt this residue have been determined to be pathogenic (PMID: 10980530, 11897822, 16914028, 17166884, 22071889). This suggests that this residue is clinically significant, and that variants that disrupt this residue are likely to be disease-causing. In summary, the available evidence is currently insufficient to determine the role of this variant in disease. Therefore, it has been classified as a Variant of Uncertain Significance.

Center for Genomic Medicine, Rigshospitalet, Copenhagen University Hospital
Classification: Uncertain significance. Last evaluated: 2025-03-04. Review status: criteria provided, single submitter. Criteria: ACMG Guidelines, 2015. Collection method: clinical testing. Allele origin: germline.

Ambry Genetics
Classification: Uncertain significance for Hereditary cancer-predisposing syndrome. Last evaluated: 2023-02-17. Review status: criteria provided, single submitter. Criteria: Ambry Variant Classification Scheme 2023. Collection method: clinical testing. Allele origin: germline.
Comment: The p.A2524T variant (also known as c.7570G>A), located in coding exon 50 of the ATM gene, results from a G to A substitution at nucleotide position 7570. The alanine at codon 2524 is replaced by threonine, an amino acid with similar properties. This amino acid position is highly conserved in available vertebrate species. In addition, this alteration is predicted to be deleterious by in silico analysis. Since supporting evidence is limited at this time, the clinical significance of this alteration remains unclear.

Literature cited by the submitters: PubMed 10980530 (cited by Labcorp Genetics (formerly Invitae), Labcorp); PubMed 11897822 (cited by Labcorp Genetics (formerly Invitae), Labcorp); PubMed 16914028 (cited by Labcorp Genetics (formerly Invitae), Labcorp); PubMed 17166884 (cited by Labcorp Genetics (formerly Invitae), Labcorp and Center for Genomic Medicine, Rigshospitalet, Copenhagen University Hospital); PubMed 22071889 (cited by Labcorp Genetics (formerly Invitae), Labcorp and Center for Genomic Medicine, Rigshospitalet, Copenhagen University Hospital); PubMed 36161273 (cited by Center for Genomic Medicine, Rigshospitalet, Copenhagen University Hospital).